The following is an entry in ClinVar:

ClinVar aggregate classification (germline): Uncertain significance (1 of 4 stars; one submission).

Submission:

Labcorp Genetics (formerly Invitae), Labcorp
Classification: Uncertain significance. Last evaluated: 2022-02-02. Review status: criteria provided, single submitter. Criteria: Invitae Variant Classification Sherloc (09022015). Collection method: clinical testing. Allele origin: germline.
Comment: This sequence change replaces alanine, which is neutral and non-polar, with serine, which is neutral and polar, at codon 5957 of the ADGRV1 protein (p.Ala5957Ser). This variant is not present in population databases (gnomAD no frequency). This variant has not been reported in the literature in individuals affected with ADGRV1-related conditions. Algorithms developed to predict the effect of missense changes on protein structure and function (SIFT, PolyPhen-2, Align-GVGD) all suggest that this variant is likely to be tolerated. In summary, the available evidence is currently insufficient to determine the role of this variant in disease. Therefore, it has been classified as a Variant of Uncertain Significance.

NM_032119.4(ADGRV1):c.17869G>T (p.Ala5957Ser)

Gene: ADGRV1 (adhesion G protein-coupled receptor V1; plus strand). Cytogenetic location: 5q14.3.
Variant type: single nucleotide variant.
Coding change: c.17869G>T on transcript NM_032119.4 (MANE Select); coding-DNA position 17869, G replaced by T.
Protein change: p.Ala5957Ser; replaces alanine 5957 with serine.
Molecular consequence: missense variant. On other transcripts: non-coding transcript variant (1).
Genome position (GRCh38, 1-based): chr5:90,965,427, G>T. VCF-style: chr5-90965427-G-T. GRCh37 (hg19) VCF-style: chr5-90261244-G-T.
Other names: short protein forms A5957S.
Identifiers: ClinVar variation 2092071 (VCV002092071.1), dbSNP rs765800403, ClinGen allele CA360426595.
Genomic context (GRCh38, chr5:90,965,427, plus strand): 5'-TCATCGATTTTAGCATATTTTAAAAATAGAAGTATCTGTTTCTTACAGATTCTGTTTCTG[G>T]CGTCTGCATACGCAAGTCCCCAACTCGCTGAGGAGAGCTGTTCAGCTATGGCTGCTGTCA-3'
Protein context (NP_115495.3, residues 5947-5967): ASLGTQILFL[Ala5957Ser]SAYASPQLAE